The following is an entry in ClinVar:

ClinVar aggregate classification (germline): Uncertain significance (1 of 4 stars; one submission).

Allele frequency attached by ClinVar (database versions not stated): gnomAD exomes below 0.00001.
gnomAD v4.1: 2 of 1,612,984 alleles (0.00012%); highest among the groups gnomAD compares: Non-Finnish European, 0.00017%; no homozygotes.

Submission:

Ambry Genetics
Classification: Uncertain significance. Last evaluated: 2024-10-11. Review status: criteria provided, single submitter. Criteria: Ambry Variant Classification Scheme 2023. Collection method: clinical testing. Allele origin: germline.
Comment: The p.T763I variant (also known as c.2288C>T), located in coding exon 15 of the POLQ gene, results from a C to T substitution at nucleotide position 2288. The threonine at codon 763 is replaced by isoleucine, an amino acid with similar properties. This amino acid position is conserved. In addition, this alteration is predicted to be tolerated by in silico analysis. Since supporting evidence is limited at this time, the clinical significance of this alteration remains unclear.

NM_199420.4(POLQ):c.2288C>T (p.Thr763Ile)

Gene: POLQ (DNA polymerase theta; minus strand). Cytogenetic location: 3q13.33.
Variant type: single nucleotide variant.
Coding change: c.2288C>T on transcript NM_199420.4 (MANE Select); coding-DNA position 2288, C replaced by T.
Protein change: p.Thr763Ile; replaces threonine 763 with isoleucine.
Molecular consequence: missense variant.
Genome position (GRCh38, 1-based): chr3:121,493,712, G>A on the plus strand (C>T on the coding strand, the complement: POLQ is on the minus strand). VCF-style: chr3-121493712-G-A. GRCh37 (hg19) VCF-style: chr3-121212559-G-A.
Other names: short protein forms T763I.
Identifiers: ClinVar variation 1789042 (VCV001789042.3), dbSNP rs2546790916, ClinGen allele CA354108285.